The following is an entry in ClinVar:

ClinVar aggregate classification (germline): Benign. Review status: criteria provided, multiple submitters, no conflicts (2 of 4 stars). 15 submissions from 12 submitters: Benign (15). Last evaluated 2026-10-01.

Conditions:
Congenital myopathy 18. Also called: Myopathy, congenital, due to dihydropyridine receptor defect; DIHYDROPYRIDINE RECEPTOR CONGENITAL MYOPATHY; DHPR CONGENITAL MYOPATHY. Identifiers: MedGen C5830283, MONDO:0859514, OMIM 620246.
Malignant hyperthermia, susceptibility to, 5 (MHS5). Also called: CACNA1S-Related Malignant Hyperthermia Susceptibility. Identifiers: Orphanet 423, MedGen C1866077, MONDO:0011163, OMIM 601887.
Hypokalemic periodic paralysis, type 1. Also called: Hypokalemic Periodic Paralysis Type 1 (AD); HypoPP. Identifiers: Orphanet 681, MedGen C3714580, MONDO:0042979, OMIM 170400.
Thyrotoxic periodic paralysis, susceptibility to, 1 (TTPP1). Identifiers: Orphanet 79102, MedGen C2749982, MONDO:0008570, OMIM 188580.

Allele frequency attached by ClinVar (database versions not stated): 1000 Genomes Project 30x 0.00453; 1000 Genomes Project 0.00459; TOPMed 0.00940; ESP Exome Variant Server 0.00961.

Submissions (17):

CeGaT Center for Human Genetics Tuebingen
Classification: Benign. Last evaluated: 2026-10-01. Review status: criteria provided, single submitter. Criteria: CeGaT Center For Human Genetics Tuebingen Variant Classification Criteria Version 2. Collection method: clinical testing. Allele origin: germline. Affected: yes. Observed: 108 variant alleles.
Comment: CACNA1S: BP4, BP7, BS1, BS2

Labcorp Genetics (formerly Invitae), Labcorp
Classification: Benign for Hypokalemic periodic paralysis, type 1; Malignant hyperthermia, susceptibility to, 5. Last evaluated: 2026-02-03. Review status: criteria provided, single submitter. Criteria: Invitae Variant Classification Sherloc (09022015). Collection method: clinical testing. Allele origin: germline.

Athena Diagnostics
Classification: Benign. Last evaluated: 2024-07-12. Review status: criteria provided, single submitter. Criteria: Athena Diagnostics Criteria. Collection method: clinical testing. Allele origin: unknown.

All of Us Research Program, National Institutes of Health
Classification: Benign for Malignant hyperthermia, susceptibility to, 5. Last evaluated: 2024-02-05. Review status: criteria provided, single submitter. Criteria: ACMG Guidelines, 2015. Collection method: clinical testing. Allele origin: germline. Inheritance: Autosomal dominant inheritance. Observed: 2,604 variant alleles, 2,585 heterozygotes, 19 homozygotes.
Comment: This study involves interpretation of variants in research participants for the purpose of population health screening. Participant phenotype was not available at the time of variant classification. Additional details can be found in publication PMID: 35346344, PMCID: PMC8962531

ARUP Laboratories, Molecular Genetics and Genomics, ARUP Laboratories
Classification: Benign. Last evaluated: 2023-11-11. Review status: criteria provided, single submitter. Criteria: ARUP Molecular Germline Variant Investigation Process 2024. Collection method: clinical testing. Allele origin: germline.

Genome-Nilou Lab
Classification: Benign for Malignant hyperthermia, susceptibility to, 5. Last evaluated: 2023-04-11. Review status: criteria provided, single submitter. Criteria: ACMG Guidelines, 2015. Collection method: clinical testing. Allele origin: germline. Affected: no.

Genome-Nilou Lab
Classification: Benign for Thyrotoxic periodic paralysis, susceptibility to, 1. Last evaluated: 2023-04-11. Review status: criteria provided, single submitter. Criteria: ACMG Guidelines, 2015. Collection method: clinical testing. Allele origin: germline. Affected: no.

Genome-Nilou Lab
Classification: Benign for Congenital myopathy 18. Last evaluated: 2023-04-11. Review status: criteria provided, single submitter. Criteria: ACMG Guidelines, 2015. Collection method: clinical testing. Allele origin: germline. Affected: no.

Genome-Nilou Lab
Classification: Benign for Hypokalemic periodic paralysis, type 1. Last evaluated: 2023-04-11. Review status: criteria provided, single submitter. Criteria: ACMG Guidelines, 2015. Collection method: clinical testing. Allele origin: germline. Affected: no.

Color Diagnostics, LLC DBA Color Health
Classification: Benign for Malignant hyperthermia, susceptibility to, 5. Last evaluated: 2022-08-17. Review status: criteria provided, single submitter. Criteria: ACMG Guidelines, 2015. Collection method: clinical testing. Allele origin: germline.

Mayo Clinic Laboratories, Mayo Clinic
Classification: Benign. Last evaluated: 2019-01-09. Review status: criteria provided, single submitter. Criteria: ACMG Guidelines, 2015. Collection method: clinical testing. Allele origin: germline. Observed: 11 variant alleles.

Illumina Laboratory Services, Illumina
Classification: Benign for Hypokalemic periodic paralysis, type 1. Last evaluated: 2018-01-13. Review status: criteria provided, single submitter. Criteria: ICSL Variant Classification Criteria 13 December 2019. Collection method: clinical testing. Allele origin: germline.
Comment: This variant was observed in the ICSL laboratory as part of a predisposition screen in an ostensibly healthy population. It had not been previously curated by ICSL or reported in the Human Gene Mutation Database (HGMD: prior to June 1st, 2018), and was therefore a candidate for classification through an automated scoring system. Utilizing variant allele frequency, disease prevalence and penetrance estimates, and inheritance mode, an automated score was calculated to assess if this variant is too frequent to cause the disease. Based on the score and internal cut-off values, a variant classified as benign is not then subjected to further curation. The score for this variant resulted in a classification of benign for this disease.

GeneDx
Classification: Benign. Last evaluated: 2016-02-15. Review status: criteria provided, single submitter. Criteria: GeneDx Variant Classification (06012015). Collection method: clinical testing. Allele origin: germline. Affected: yes.
Comment: This variant is considered likely benign or benign based on one or more of the following criteria: it is a conservative change, it occurs at a poorly conserved position in the protein, it is predicted to be benign by multiple in silico algorithms, and/or has population frequency not consistent with disease.

Breakthrough Genomics
Classification: Benign. Review status: criteria provided, single submitter. Criteria: ACMG Guidelines, 2015. Collection method: not provided. Allele origin: germline. Inheritance: Autosomal dominant inheritance. Affected: yes.

PreventionGenetics, part of Exact Sciences
Classification: Benign. Review status: criteria provided, single submitter. Criteria: ACMG Guidelines, 2015. Collection method: clinical testing. Allele origin: germline.

Dr. Peter K. Rogan Lab, Western University
No classification provided (evidence only). Condition: Sarcoma. Review status: no classification provided. Collection method: in vitro. Allele origin: not applicable. Functional consequence: retained intron. Not counted in ClinVar's aggregate classification.

Dr. Peter K. Rogan Lab, Western University
No classification provided (evidence only). Condition: Ovarian serous cystadenocarcinoma. Review status: no classification provided. Collection method: in vitro. Allele origin: not applicable. Functional consequence: retained intron. Not counted in ClinVar's aggregate classification.

Literature cited by the submitters: PubMed 28952030 (cited by Athena Diagnostics); PubMed 30325262 (cited by Athena Diagnostics).

NM_000069.3(CACNA1S):c.3261A>G (p.Gln1087=)

Gene: CACNA1S (calcium voltage-gated channel subunit alpha1 S; minus strand). Cytogenetic location: 1q32.1.
Variant type: single nucleotide variant.
Coding change: c.3261A>G on transcript NM_000069.3 (MANE Select); coding-DNA position 3261, A replaced by G.
Protein change: p.Gln1087=; no amino-acid change (glutamine 1087 retained).
Molecular consequence: synonymous variant.
Genome position (GRCh38, 1-based): chr1:201,060,811, T>C on the plus strand (A>G on the coding strand, the complement: CACNA1S is on the minus strand). VCF-style: chr1-201060811-T-C. GRCh37 (hg19) VCF-style: chr1-201029939-T-C.
Other names: p.Gln1087=.
Identifiers: ClinVar variation 254825 (VCV000254825.55), dbSNP rs34515088, ClinGen allele CA079628.
Genomic context (GRCh38, chr1:201,060,811, plus strand): 5'-GTATGGGTTTTTGGGAATGTAGCACCTCAGTGGGCGGGCCTTCAGGGCATACTGTACACA[T>C]TGGCGCTGTGACACATACAACAGGACAGGTCAGCACCAAGAGGCCCCTCCCTCCCTCTCC-3'
Protein context (NP_000060.2, residues 1077-1097): KNCELDKNQR[Gln1087=]CVQYALKARP